The following is an entry in ClinVar:

ClinVar aggregate classification (germline): Uncertain significance. Review status: criteria provided, multiple submitters, no conflicts (2 of 4 stars). 2 submissions from 2 submitters: Uncertain significance (2). Last evaluated 2025-09-03.

Conditions:
Hereditary cancer-predisposing syndrome. Also called: Neoplastic Syndromes, Hereditary; Tumor predisposition; Hereditary neoplastic syndrome; Hereditary Cancer Syndrome. Identifiers: Orphanet 140162, MedGen C0027672, MeSH D009386, MONDO:0015356.

Submissions (2):

Ambry Genetics
Classification: Uncertain significance for Hereditary cancer-predisposing syndrome. Last evaluated: 2025-09-03. Review status: criteria provided, single submitter. Criteria: Ambry Variant Classification Scheme 2023. Collection method: clinical testing. Allele origin: germline.
Comment: The c.3460-5C>G intronic variant results from a C to G substitution 5 nucleotides upstream from coding exon 29 in the POLE gene. This nucleotide position is not well conserved in available vertebrate species. In silico splice site analysis predicts that this alteration may weaken the native splice acceptor site and will result in the creation or strengthening of a novel splice acceptor site; however, direct evidence is insufficient at this time (Ambry internal data). Based on the available evidence, the clinical significance of this variant remains unclear.

Labcorp Genetics (formerly Invitae), Labcorp
Classification: Uncertain significance. Last evaluated: 2023-11-11. Review status: criteria provided, single submitter. Criteria: Invitae Variant Classification Sherloc (09022015). Collection method: clinical testing. Allele origin: germline.
Comment: This sequence change falls in intron 28 of the POLE gene. It does not directly change the encoded amino acid sequence of the POLE protein. This variant is not present in population databases (gnomAD no frequency). This variant has not been reported in the literature in individuals affected with POLE-related conditions. Algorithms developed to predict the effect of sequence changes on RNA splicing suggest that this variant may disrupt the consensus splice site. In summary, the available evidence is currently insufficient to determine the role of this variant in disease. Therefore, it has been classified as a Variant of Uncertain Significance.

NM_006231.4(POLE):c.3460-5C>G

Gene: POLE (DNA polymerase epsilon, catalytic subunit; minus strand). Cytogenetic location: 12q24.33.
Variant type: single nucleotide variant.
Coding change: c.3460-5C>G on transcript NM_006231.4 (MANE Select); 5 bases into the intron before coding-DNA position 3460, C replaced by G.
Molecular consequence: intron variant.
Genome position (GRCh38, 1-based): chr12:132,657,263, G>C on the plus strand (C>G on the coding strand, the complement: POLE is on the minus strand). VCF-style: chr12-132657263-G-C. GRCh37 (hg19) VCF-style: chr12-133233849-G-C.
Other names: c.3460-5C>G (NM_006231.2).
Identifiers: ClinVar variation 2695128 (VCV002695128.4), dbSNP rs2042564483, ClinGen allele CA2697551599.